The following is an entry in ClinVar:

ClinVar aggregate classification (germline): Pathogenic (0 of 4 stars; one submission).

Conditions:
NKX2-1-Related Disorders. Also called: NKX2-1-related disorder. Identifiers: MedGen CN381057.

Submission:

PreventionGenetics, part of Exact Sciences
Classification: Pathogenic for NKX2-1-related condition. Last evaluated: 2023-12-10. Review status: no assertion criteria provided. Collection method: clinical testing. Allele origin: germline.
Comment: The NKX2-1 c.915delC variant is predicted to result in a frameshift and premature protein termination (p.Ala306Argfs*75). This variant (also reported as 825delC, Ala276Argfs*75) was reported in individuals with hypothyroidism and chorea (Moya et al. 2006. PubMed ID: 16507635; Moya et al. 2018. PubMed ID: 29294041). Functional studies also indicate this variant results in a protein which acts in a dominant negative manner (Moya et al. 2006. PubMed ID: 16507635). This variant has not been reported in a large population database, indicating this variant is rare. Frameshift variants in NKX2-1 are expected to be pathogenic. This variant is interpreted as pathogenic.

NM_001079668.3(NKX2-1):c.915del (p.Ala306fs)

Genes: NKX2-1 (NK2 homeobox 1; minus strand), SFTA3 (surfactant associated 3; minus strand). Cytogenetic location: 14q13.3.
Variant type: Deletion.
Coding change: c.915del on transcript NM_001079668.3 (MANE Select); coding-DNA position 915, one base deleted (C; older notation c.915delC).
Protein change: p.Ala306fs; shifts the reading frame from alanine 306.
Molecular consequence: frameshift variant.
Genome position (GRCh38, 1-based): chr14:36,517,569, G deleted on the plus strand (C on the coding strand, the reverse complement: NKX2-1 is on the minus strand); the first of 5 consecutive G bases (chr14:36,517,569-36,517,573); deleting any one gives the same sequence. VCF-style (leftmost placement, unchanged base first): chr14-36517568-CG-C. GRCh37 (hg19) VCF-style: chr14-36986773-CG-C.
Other names: c.825del, p.Ala276fs (NM_003317.4); short protein forms A276fs, A306fs.
Identifiers: ClinVar variation 3053142 (VCV003053142.2), dbSNP rs1448653785, ClinGen allele CA613804711.